The following is an entry in ClinVar:

NM_001040142.2(SCN2A):c.2706C>G (p.Leu902=)

Gene: SCN2A (sodium voltage-gated channel alpha subunit 2; plus strand). Cytogenetic location: 2q24.3.
Variant type: single nucleotide variant.
Coding change: c.2706C>G on transcript NM_001040142.2 (MANE Select); coding-DNA position 2706, C replaced by G.
Protein change: p.Leu902=; no amino-acid change (leucine 902 retained).
Molecular consequence: synonymous variant.
Genome position (GRCh38, 1-based): chr2:165,344,698, C>G. VCF-style: chr2-165344698-C-G. GRCh37 (hg19) VCF-style: chr2-166201208-C-G.
Other names: c.2706C>G, p.Leu902= (NM_001040143.2, NM_001371246.1, NM_001371247.1 and 1 more transcripts).
Identifiers: ClinVar variation 378529 (VCV000378529.54), dbSNP rs192461273, ClinGen allele CA1940014.

ClinVar aggregate classification (germline): Benign/Likely benign. Review status: criteria provided, multiple submitters, no conflicts (2 of 4 stars). 5 submissions from 5 submitters: Benign (1); Likely benign (4). Last evaluated 2026-05-22.

Conditions:
Seizures, benign familial infantile, 3 (BFIS3). Also called: Familial neonatal seizures; CONVULSIONS, BENIGN FAMILIAL INFANTILE, 3. Identifiers: Orphanet 140927, Orphanet 306, MedGen C1843140, MONDO:0011904, OMIM 607745.
Developmental and epileptic encephalopathy, 11 (DEE11). Also called: Early infantile epileptic encephalopathy 11. Identifiers: Orphanet 1934, MedGen C3150987, MONDO:0013388, OMIM 613721.
SCN2A-related disorder. Also called: SCN2A-related condition; SCN2A-related disorders. Identifiers: MedGen CN382226, MONDO:1060245.
Inborn genetic diseases. Identifiers: MedGen C0950123, MeSH D030342.

Allele frequency attached by ClinVar (database versions not stated): 1000 Genomes Project below 0.00001; TOPMed 0.00002; gnomAD 0.00003; gnomAD exomes 0.00003 and 0.00010; ExAC 0.00006; ESP Exome Variant Server 0.00015.
gnomAD v4.1: 147 of 1,613,976 alleles (0.0091%); highest among the groups gnomAD compares: Non-Finnish European, 0.012%; no homozygotes.

Submissions (5):

PreventionGenetics, part of Exact Sciences
Classification: Likely benign for SCN2A-related condition. Last evaluated: 2026-05-22. Review status: criteria provided, single submitter. Criteria: ACMG Guidelines, 2015. Collection method: clinical testing. Allele origin: germline.
Comment: This variant is classified as likely benign based on ACMG/AMP sequence variant interpretation guidelines (Richards et al. 2015 PMID: 25741868, with internal and published modifications).

CeGaT Center for Human Genetics Tuebingen
Classification: Likely benign. Last evaluated: 2026-04-01. Review status: criteria provided, single submitter. Criteria: CeGaT Center For Human Genetics Tuebingen Variant Classification Criteria Version 2. Collection method: clinical testing. Allele origin: germline. Affected: yes. Observed: 2 variant alleles.
Comment: SCN2A: BP4, BP7

Labcorp Genetics (formerly Invitae), Labcorp
Classification: Likely benign for Seizures, benign familial infantile, 3; Developmental and epileptic encephalopathy, 11. Last evaluated: 2025-12-04. Review status: criteria provided, single submitter. Criteria: Invitae Variant Classification Sherloc (09022015). Collection method: clinical testing. Allele origin: germline.

Ambry Genetics
Classification: Likely benign for Inborn genetic diseases. Last evaluated: 2016-12-28. Review status: criteria provided, single submitter. Criteria: Ambry Variant Classification Scheme 2023. Collection method: clinical testing. Allele origin: germline.

GeneDx
Classification: Benign. Last evaluated: 2015-04-17. Review status: criteria provided, single submitter. Criteria: GeneDx Variant Classification (06012015). Collection method: clinical testing. Allele origin: germline. Affected: yes.
Comment: This variant is considered likely benign or benign based on one or more of the following criteria: it is a conservative change, it occurs at a poorly conserved position in the protein, it is predicted to be benign by multiple in silico algorithms, and/or has population frequency not consistent with disease.